The following is an entry in ClinVar:

ClinVar aggregate classification (germline): Uncertain significance (1 of 4 stars; one submission).

Conditions:
EGFR-related lung cancer (EGFR). Identifiers: MedGen CN130014.

Submission:

Labcorp Genetics (formerly Invitae), Labcorp
Classification: Uncertain significance for EGFR-related lung cancer. Last evaluated: 2020-08-05. Review status: criteria provided, single submitter. Criteria: Invitae Variant Classification Sherloc (09022015). Collection method: clinical testing. Allele origin: germline.
Comment: In summary, the available evidence is currently insufficient to determine the role of this variant in disease. Therefore, it has been classified as a Variant of Uncertain Significance. Algorithms developed to predict the effect of missense changes on protein structure and function are either unavailable or do not agree on the potential impact of this missense change (SIFT: "Tolerated"; PolyPhen-2: "Probably Damaging"; Align-GVGD: "Class C0"). This variant has not been reported in the literature in individuals with EGFR-related conditions. This variant is not present in population databases (ExAC no frequency). This sequence change replaces asparagine with lysine at codon 1140 of the EGFR protein (p.Asn1140Lys). The asparagine residue is moderately conserved and there is a moderate physicochemical difference between asparagine and lysine.

NM_005228.5(EGFR):c.3420C>A (p.Asn1140Lys)

Gene: EGFR (epidermal growth factor receptor; plus strand). Cytogenetic location: 7p11.2.
Variant type: single nucleotide variant.
Coding change: c.3420C>A on transcript NM_005228.5 (MANE Select); coding-DNA position 3420, C replaced by A.
Protein change: p.Asn1140Lys; replaces asparagine 1140 with lysine.
Molecular consequence: missense variant.
Genome position (GRCh38, 1-based): chr7:55,205,404, C>A. VCF-style: chr7-55205404-C-A. GRCh37 (hg19) VCF-style: chr7-55273097-C-A.
Other names: c.3285C>A, p.Asn1095Lys (NM_001346899.2); c.3261C>A, p.Asn1087Lys (NM_001346900.2); c.2619C>A, p.Asn873Lys (NM_001346941.2); short protein forms N1087K, N1095K, N1140K, N873K.
Identifiers: ClinVar variation 1051819 (VCV001051819.9), dbSNP rs1156795946, ClinGen allele CA367584578.